The following is an entry in ClinVar:

ClinVar aggregate classification (germline): Likely pathogenic (1 of 4 stars; one submission).

Submission:

Labcorp Genetics (formerly Invitae), Labcorp
Classification: Likely pathogenic. Last evaluated: 2023-10-23. Review status: criteria provided, single submitter. Criteria: Invitae Variant Classification Sherloc (09022015). Collection method: clinical testing. Allele origin: germline.
Comment: This sequence change replaces serine, which is neutral and polar, with cysteine, which is neutral and slightly polar, at codon 208 of the PACS2 protein (p.Ser208Cys). This variant is not present in population databases (gnomAD no frequency). This missense change has been observed in individual(s) with PACS2-related conditions (Invitae). In at least one individual the variant was observed to be de novo. An algorithm developed to predict the effect of missense changes on protein structure and function (PolyPhen-2) suggests that this variant is likely to be disruptive. In summary, the currently available evidence indicates that the variant is pathogenic, but additional data are needed to prove that conclusively. Therefore, this variant has been classified as Likely Pathogenic.

NM_001100913.3(PACS2):c.623C>G (p.Ser208Cys)

Gene: PACS2 (phosphofurin acidic cluster sorting protein 2; plus strand). Cytogenetic location: 14q32.33.
Variant type: single nucleotide variant.
Coding change: c.623C>G on transcript NM_001100913.3 (MANE Select); coding-DNA position 623, C replaced by G.
Protein change: p.Ser208Cys; replaces serine 208 with cysteine.
Molecular consequence: missense variant.
Genome position (GRCh38, 1-based): chr14:105,368,110, C>G. VCF-style: chr14-105368110-C-G. GRCh37 (hg19) VCF-style: chr14-105834447-C-G.
Other names: c.623C>G, p.Ser208Cys (NM_015197.4); c.422C>G, p.Ser141Cys (NM_001243127.3); short protein forms S208C, S141C.
Identifiers: ClinVar variation 2844831 (VCV002844831.3), dbSNP rs2141147698, ClinGen allele CA391174493.